The following is an entry in ClinVar:

NM_018117.12(WDR11):c.7C>T (p.Pro3Ser)

Gene: WDR11 (WD repeat domain 11; plus strand). Cytogenetic location: 10q26.12.
Variant type: single nucleotide variant.
Coding change: c.7C>T on transcript NM_018117.12 (MANE Select); coding-DNA position 7, C replaced by T.
Protein change: p.Pro3Ser; replaces proline 3 with serine.
Molecular consequence: missense variant.
Genome position (GRCh38, 1-based): chr10:120,851,427, C>T. VCF-style: chr10-120851427-C-T. GRCh37 (hg19) VCF-style: chr10-122610939-C-T.
Other names: c.7C>T (NM_018117.11); short protein forms P3S.
Identifiers: ClinVar variation 1490803 (VCV001490803.7), dbSNP rs777677898, ClinGen allele CA5719335.

ClinVar aggregate classification (germline): Uncertain significance. Review status: criteria provided, multiple submitters, no conflicts (2 of 4 stars). 2 submissions from 2 submitters: Uncertain significance (2). Last evaluated 2021-10-07.

Conditions:
Inborn genetic diseases. Identifiers: MedGen C0950123, MeSH D030342.

Allele frequency attached by ClinVar (database versions not stated): gnomAD 0.00001; ExAC 0.00002; TOPMed 0.00002; gnomAD exomes 0.00004.
gnomAD v4.1: 17 of 1,610,848 alleles (0.0011%); highest among the groups gnomAD compares: Admixed American, 0.017%; no homozygotes.

Submissions (2):

Labcorp Genetics (formerly Invitae), Labcorp
Classification: Uncertain significance. Last evaluated: 2021-10-07. Review status: criteria provided, single submitter. Criteria: Invitae Variant Classification Sherloc (09022015). Collection method: clinical testing. Allele origin: germline.
Comment: In summary, the available evidence is currently insufficient to determine the role of this variant in disease. Therefore, it has been classified as a Variant of Uncertain Significance. Algorithms developed to predict the effect of missense changes on protein structure and function are either unavailable or do not agree on the potential impact of this missense change (SIFT: "Deleterious"; PolyPhen-2: "Benign"; Align-GVGD: "Class C0"). This variant has not been reported in the literature in individuals affected with WDR11-related conditions. This variant is present in population databases (rs777677898, ExAC 0.03%). This sequence change replaces proline with serine at codon 3 of the WDR11 protein (p.Pro3Ser). The proline residue is highly conserved and there is a moderate physicochemical difference between proline and serine.

Ambry Genetics
Classification: Uncertain significance for Inborn genetic diseases. Last evaluated: 2021-08-12. Review status: criteria provided, single submitter. Criteria: Ambry Variant Classification Scheme 2023. Collection method: clinical testing. Allele origin: germline.